The following is an entry in ClinVar:

ClinVar aggregate classification (germline): Uncertain significance (1 of 4 stars; one submission).

Conditions:
Congenital contractural arachnodactyly (CCA). Also called: BEALS SYNDROME; Arthrogryposis, distal, type 9; Beals-Hecht syndrome. Identifiers: Orphanet 115, MedGen C0220668, MONDO:0007363, OMIM 121050.

Submission:

Labcorp Genetics (formerly Invitae), Labcorp
Classification: Uncertain significance for Congenital contractural arachnodactyly. Last evaluated: 2024-08-02. Review status: criteria provided, single submitter. Criteria: Invitae Variant Classification Sherloc (09022015). Collection method: clinical testing. Allele origin: germline.
Comment: This sequence change affects a splice site in intron 27 of the FBN2 gene. It is expected to disrupt RNA splicing. Variants that disrupt the donor or acceptor splice site typically lead to a loss of protein function (PMID: 16199547), however the current clinical and genetic evidence is not sufficient to establish whether loss-of-function variants in FBN2 cause disease. This variant is not present in population databases (gnomAD no frequency). This variant has not been reported in the literature in individuals affected with FBN2-related conditions. In summary, the available evidence is currently insufficient to determine the role of this variant in disease. Therefore, it has been classified as a Variant of Uncertain Significance.

Literature cited by the submitters: PubMed 16199547.

NM_001999.4(FBN2):c.3598+2_3598+18del

Gene: FBN2 (fibrillin 2; minus strand). Cytogenetic location: 5q23.3.
Variant type: Deletion.
Coding change: c.3598+2_3598+18del on transcript NM_001999.4 (MANE Select); the canonical splice donor site of the intron after coding-DNA position 3598 through 18 bases into the intron after coding-DNA position 3598, 17 bases deleted (TGAGTTTATCTCCTCAG).
Molecular consequence: splice donor variant.
Genome position (GRCh38, 1-based): chr5:128,337,979-128,337,995, CTGAGGAGATAAACTCA deleted on the plus strand (TGAGTTTATCTCCTCAG on the coding strand, the reverse complement: FBN2 is on the minus strand); deleting any 17 consecutive bases within chr5:128,337,979-128,337,996 gives the same sequence; the c. name uses the placement nearest the transcript's 3' end. VCF-style (leftmost placement, unchanged base first): chr5-128337978-GCTGAGGAGATAAACTCA-G. GRCh37 (hg19) VCF-style: chr5-127673670-GCTGAGGAGATAAACTCA-G.
Identifiers: ClinVar variation 3661102 (VCV003661102.2).